The following is an entry in ClinVar:

NM_004360.5(CDH1):c.2522A>T (p.Glu841Val)

Gene: CDH1 (cadherin 1; plus strand). Cytogenetic location: 16q22.1.
Variant type: single nucleotide variant.
Coding change: c.2522A>T on transcript NM_004360.5 (MANE Select); coding-DNA position 2522, A replaced by T.
Protein change: p.Glu841Val; replaces glutamic acid 841 with valine.
Molecular consequence: missense variant.
Genome position (GRCh38, 1-based): chr16:68,833,372, A>T. VCF-style: chr16-68833372-A-T. GRCh37 (hg19) VCF-style: chr16-68867275-A-T.
Other names: c.2339A>T, p.Glu780Val (NM_001317184.2); c.974A>T, p.Glu325Val (NM_001317185.2); c.557A>T, p.Glu186Val (NM_001317186.2); short protein forms E325V, E841V, E186V, E780V.
Identifiers: ClinVar variation 2702710 (VCV002702710.3), dbSNP rs2152143988, ClinGen allele CA396472299.

ClinVar aggregate classification (germline): Uncertain significance (1 of 4 stars; one submission).

Conditions:
Hereditary diffuse gastric adenocarcinoma (HDGC). Also called: DIFFUSE GASTRIC AND LOBULAR BREAST CANCER SYNDROME. Identifiers: Orphanet 26106, MedGen C1708349, MONDO:0007648, OMIM 137215.

Submission:

Labcorp Genetics (formerly Invitae), Labcorp
Classification: Uncertain significance for Hereditary diffuse gastric adenocarcinoma. Last evaluated: 2023-12-13. Review status: criteria provided, single submitter. Criteria: Invitae Variant Classification Sherloc (09022015). Collection method: clinical testing. Allele origin: germline.
Comment: This sequence change replaces glutamic acid, which is acidic and polar, with valine, which is neutral and non-polar, at codon 841 of the CDH1 protein (p.Glu841Val). This variant is not present in population databases (gnomAD no frequency). This variant has not been reported in the literature in individuals affected with CDH1-related conditions. An algorithm developed to predict the effect of missense changes on protein structure and function (PolyPhen-2) suggests that this variant is likely to be disruptive. In summary, the available evidence is currently insufficient to determine the role of this variant in disease. Therefore, it has been classified as a Variant of Uncertain Significance.